The following is an entry in ClinVar:

NM_000257.4(MYH7):c.2051T>C (p.Met684Thr)

Gene: MYH7 (myosin heavy chain 7; minus strand). Cytogenetic location: 14q11.2.
Variant type: single nucleotide variant.
Coding change: c.2051T>C on transcript NM_000257.4 (MANE Select); coding-DNA position 2051, T replaced by C.
Protein change: p.Met684Thr; replaces methionine 684 with threonine.
Molecular consequence: missense variant.
Genome position (GRCh38, 1-based): chr14:23,426,075, A>G on the plus strand (T>C on the coding strand, the complement: MYH7 is on the minus strand). VCF-style: chr14-23426075-A-G. GRCh37 (hg19) VCF-style: chr14-23895284-A-G.
Other names: p.M684T:ATG>ACG; p.Met684Thr; c.2051T>C (LRG_384t1); short protein forms M684T.
Identifiers: ClinVar variation 181171 (VCV000181171.54), dbSNP rs606231332, ClinGen allele CA011603.

ClinVar aggregate classification (germline): Conflicting classifications of pathogenicity. Review status: criteria provided, conflicting classifications (1 of 4 stars). 8 submissions from 8 submitters: Pathogenic (1); Likely pathogenic (2); Uncertain significance (5). Last evaluated 2026-09-02.

Conditions:
Cardiovascular phenotype. Identifiers: MedGen CN230736.
Cardiomyopathy (CMYO). Also called: Cardiomyopathies. Identifiers: Orphanet 167848, MedGen C0878544, MONDO:0004994, HP:0001638. Inheritance: Various modes of inheritance.
Hypertrophic cardiomyopathy 1 (CMH1). Also called: Familial hypertrophic cardiomyopathy 1; MYH7-Related Familial Hypertrophic Cardiomyopathy. Identifiers: MedGen C3495498, MONDO:0008647, OMIM 192600.
Hypertrophic cardiomyopathy. Also called: HYPERTROPHIC MYOCARDIOPATHY. Identifiers: Orphanet 217569, MedGen C0007194, MeSH D002312, MONDO:0005045, HP:0001639.

Submissions (8):

Molecular Genetics Laboratory, Motol Hospital
Classification: Pathogenic for Hypertrophic cardiomyopathy 1. Last evaluated: 2026-09-02. Review status: criteria provided, single submitter. Criteria: ACMG Guidelines, 2015. Collection method: clinical testing. Allele origin: germline. Inheritance: Autosomal dominant inheritance. Affected: yes. Observed: 1 variant allele, 1 heterozygote.
Comment: The variant was identified in five unrelated Czech families with hypertrophic cardiomyopathy (HCM) while is absent from population databases, providing evidence for enrichment in affected individuals (PS4 and PM2). The variant is located within a mutational hotspot / functionally important region with a paucity of benign variation (PM1). Missense variation is an established disease mechanism in this gene, and the gene shows a low rate of benign missense variation (PP2). A different pathogenic missense variant affecting the same amino acid residue, p.Met684Arg, has previously been reported in association with HCM (PM5). Multiple in silico prediction tools support a deleterious effect of the variant on protein structure and/or function (PP3). The variant has also been previously reported in individuals with HCM in the literature. In our cohort, the variant co-segregates with HCM in the investigated families (PP1). Taken together, the available genetic, population, computational, clinical, and segregation evidence supports classification of this variant as pathogenic and indicates that it is a disease-causing variant associated with autosomal dominant HCM.

GeneDx
Classification: Likely pathogenic. Last evaluated: 2025-11-12. Review status: criteria provided, single submitter. Criteria: GeneDx Variant Classification Process June 2021. Collection method: clinical testing. Allele origin: germline. Affected: yes.
Comment: Has not been previously published as pathogenic or benign to our knowledge; Not observed at significant frequency in large population cohorts (gnomAD); In silico analysis supports that this missense variant has a deleterious effect on protein structure/function; This variant is associated with the following publications: (PMID: 27532257, 29300372)

CeGaT Center for Human Genetics Tuebingen
Classification: Uncertain significance. Last evaluated: 2025-11-01. Review status: criteria provided, single submitter. Criteria: CeGaT Center For Human Genetics Tuebingen Variant Classification Criteria Version 2. Collection method: clinical testing. Allele origin: germline. Affected: yes. Observed: 2 variant alleles.
Comment: MYH7: PM1, PM2

Mayo Clinic Laboratories, Mayo Clinic
Classification: Uncertain significance. Last evaluated: 2025-09-03. Review status: criteria provided, single submitter. Criteria: ACMG Guidelines, 2015. Collection method: clinical testing. Allele origin: germline. Observed: 1 variant allele.
Comment: PP3, PM1, PM2_supporting

Labcorp Genetics (formerly Invitae), Labcorp
Classification: Likely pathogenic for Hypertrophic cardiomyopathy. Last evaluated: 2025-08-21. Review status: criteria provided, single submitter. Criteria: Invitae Variant Classification Sherloc (09022015). Collection method: clinical testing. Allele origin: germline.
Comment: This sequence change replaces methionine, which is neutral and non-polar, with threonine, which is neutral and polar, at codon 684 of the MYH7 protein (p.Met684Thr). This variant is not present in population databases (gnomAD no frequency). This missense change has been observed in individuals with hypertrophic cardiomyopathy (PMID: 33029862; internal data). ClinVar contains an entry for this variant (Variation ID: 181171). Invitae Evidence Modeling of protein sequence and biophysical properties (such as structural, functional, and spatial information, amino acid conservation, physicochemical variation, residue mobility, and thermodynamic stability) indicates that this missense variant is expected to disrupt MYH7 protein function with a positive predictive value of 95%. In summary, the currently available evidence indicates that the variant is pathogenic, but additional data are needed to prove that conclusively. Therefore, this variant has been classified as Likely Pathogenic.

Ambry Genetics
Classification: Uncertain significance for Cardiovascular phenotype. Last evaluated: 2024-02-01. Review status: criteria provided, single submitter. Criteria: Ambry Variant Classification Scheme 2023. Collection method: clinical testing. Allele origin: germline.
Comment: The p.M684T variant (also known as c.2051T>C), located in coding exon 17 of the MYH7 gene, results from a T to C substitution at nucleotide position 2051. The methionine at codon 684 is replaced by threonine, an amino acid with similar properties. This alteration is located in the myosin head domain, which contains a statistically significant clustering of pathogenic missense variants (Homburger JR et al. Proc Natl Acad Sci U S A, 2016 06;113:6701-6; Walsh R et al. Genet Med, 2017 02;19:192-203; Ambry internal data). This amino acid position is not well conserved in available vertebrate species. In addition, the in silico prediction for this alteration is inconclusive. Based on the available evidence, the clinical significance of this alteration remains unclear.

All of Us Research Program, National Institutes of Health
Classification: Uncertain significance for Cardiomyopathy. Last evaluated: 2023-02-24. Review status: criteria provided, single submitter. Criteria: ACMG Guidelines, 2015. Collection method: clinical testing. Allele origin: germline. Inheritance: Autosomal dominant inheritance. Observed: 1 variant allele, 1 heterozygote.
Comment: This missense variant replaces methionine with threonine at codon 684 of the MYH7 protein. This variant is found within a highly conserved region of the myosin head domain. Missense variants in this region have been shown to be significantly overrepresented in individuals with hypertrophic cardiomyopathy (PMID: 27532257). Computational prediction suggests that this variant may have deleterious impact on protein structure and function (internally defined REVEL score threshold >= 0.7, PMID: 27666373). To our knowledge, functional studies have not been reported for this variant. This variant has been reported in an individual affected with hypertrophic cardiomyopathy (PMID: 33029862). This variant has not been identified in the general population by the Genome Aggregation Database (gnomAD). The available evidence is insufficient to determine the role of this variant in disease conclusively. Therefore, this variant is classified as a Variant of Uncertain Significance.

This study involves interpretation of variants in research participants for the purpose of population health screening. Participant phenotype was not available at the time of variant classification. Additional details can be found in publication PMID: 35346344, PMCID: PMC8962531

Genetics and Genomics Program, Sidra Medicine
Classification: Uncertain significance for Hypertrophic cardiomyopathy. Review status: criteria provided, single submitter. Criteria: ACMG Guidelines, 2015. Collection method: research. Allele origin: unknown. Affected: yes. Observed: 1 variant allele.

Literature cited by the submitters: PubMed 33029862 (cited by 4 submitters); PubMed 30696458 (cited by Mayo Clinic Laboratories, Mayo Clinic); PubMed 27532257 (cited by All of Us Research Program, National Institutes of Health).